The following is an entry in ClinVar:

NM_003123.6(SPN):c.648C>T (p.Ser216=)

Gene: SPN (sialophorin; plus strand). Cytogenetic location: 16p11.2.
Variant type: single nucleotide variant.
Coding change: c.648C>T on transcript NM_003123.6 (MANE Select); coding-DNA position 648, C replaced by T.
Protein change: p.Ser216=; no amino-acid change (serine 216 retained).
Molecular consequence: synonymous variant.
Genome position (GRCh38, 1-based): chr16:29,664,376, C>T. VCF-style: chr16-29664376-C-T. GRCh37 (hg19) VCF-style: chr16-29675697-C-T.
Other names: c.648C>T, p.Ser216= (NM_001030288.4).
Identifiers: ClinVar variation 710083 (VCV000710083.6), dbSNP rs75737897, ClinGen allele CA7992220.

ClinVar aggregate classification (germline): Benign. Review status: criteria provided, multiple submitters, no conflicts (2 of 4 stars). 3 submissions from 3 submitters: Benign (2). 1 of the submissions does not count toward it. Last evaluated 2018-06-29.

Conditions:
SPN-related disorder. Also called: SPN-related condition.

Allele frequency attached by ClinVar (database versions not stated): TOPMed 0.00610; ESP Exome Variant Server 0.00631; 1000 Genomes Project 0.00739.
gnomAD v4.1: 1,720 of 1,613,550 alleles (0.11%); highest among the groups gnomAD compares: African/African-American, 2%; 13 homozygotes.

Submissions (3):

Labcorp Genetics (formerly Invitae), Labcorp
Classification: Benign. Last evaluated: 2018-06-29. Review status: criteria provided, single submitter. Criteria: Invitae Variant Classification Sherloc (09022015). Collection method: clinical testing. Allele origin: germline.

Breakthrough Genomics
Classification: Benign. Review status: criteria provided, single submitter. Criteria: ACMG Guidelines, 2015. Collection method: not provided. Allele origin: germline. Inheritance: Unknown mechanism. Affected: yes.

PreventionGenetics, part of Exact Sciences
Classification: Benign for SPN-related condition. Last evaluated: 2019-04-10. Review status: no assertion criteria provided. Collection method: clinical testing. Allele origin: germline. Not counted in ClinVar's aggregate classification.
Comment: This variant is classified as benign based on ACMG/AMP sequence variant interpretation guidelines (Richards et al. 2015 PMID: 25741868, with internal and published modifications).